The following is an entry in ClinVar:

NM_183357.3(ADCY5):c.3164G>A (p.Arg1055His)

Gene: ADCY5 (adenylate cyclase 5; minus strand). Cytogenetic location: 3q21.1.
Variant type: single nucleotide variant.
Coding change: c.3164G>A on transcript NM_183357.3 (MANE Select); coding-DNA position 3164, G replaced by A.
Protein change: p.Arg1055His; replaces arginine 1055 with histidine.
Molecular consequence: missense variant.
Genome position (GRCh38, 1-based): chr3:123,291,276, C>T on the plus strand (G>A on the coding strand, the complement: ADCY5 is on the minus strand). VCF-style: chr3-123291276-C-T. GRCh37 (hg19) VCF-style: chr3-123010123-C-T.
Other names: c.2114G>A, p.Arg705His (NM_001199642.1); c.3239G>A, p.Arg1080His (NM_001378259.1); short protein forms R1055H, R1080H, R705H.
Identifiers: ClinVar variation 1442382 (VCV001442382.6), dbSNP rs762578500, ClinGen allele CA2576838.
Genomic context (GRCh38, chr3:123,291,276, plus strand): 5'-GCGAACATGACCGCCACACACTCACAGGACTGATAGTAGAGCTCATCATTGCGCCGCTCG[C>T]GGGCCAGGAAGTGAGCGGCCACGTCCTTGGGCAGGATGTTGTGCAGCAGCCGCCGGTTGT-3'
Protein context (NP_899200.1, residues 1045-1065): PKDVAAHFLA[Arg1055His]ERRNDELYYQ

ClinVar aggregate classification (germline): Uncertain significance (1 of 4 stars; one submission).

Allele frequency attached by ClinVar (database versions not stated): gnomAD 0.00001; ExAC 0.00002; gnomAD exomes 0.00002.
gnomAD v4.1: 13 of 1,613,868 alleles (0.00081%); highest among the groups gnomAD compares: Admixed American, 0.0017%; no homozygotes.

Submission:

Labcorp Genetics (formerly Invitae), Labcorp
Classification: Uncertain significance. Last evaluated: 2022-06-28. Review status: criteria provided, single submitter. Criteria: Invitae Variant Classification Sherloc (09022015). Collection method: clinical testing. Allele origin: germline.
Comment: In summary, the available evidence is currently insufficient to determine the role of this variant in disease. Therefore, it has been classified as a Variant of Uncertain Significance. Advanced modeling of protein sequence and biophysical properties (such as structural, functional, and spatial information, amino acid conservation, physicochemical variation, residue mobility, and thermodynamic stability) performed at Invitae indicates that this missense variant is expected to disrupt ADCY5 protein function. This variant has not been reported in the literature in individuals affected with ADCY5-related conditions. This variant is present in population databases (rs762578500, gnomAD 0.004%). This sequence change replaces arginine, which is basic and polar, with histidine, which is basic and polar, at codon 1055 of the ADCY5 protein (p.Arg1055His).